The following is an entry in ClinVar:

NM_006005.3(WFS1):c.2011G>T (p.Ala671Ser)

Gene: WFS1 (wolframin ER transmembrane glycoprotein; plus strand). Cytogenetic location: 4p16.1.
Variant type: single nucleotide variant.
Coding change: c.2011G>T on transcript NM_006005.3 (MANE Select); coding-DNA position 2011, G replaced by T.
Protein change: p.Ala671Ser; replaces alanine 671 with serine.
Molecular consequence: missense variant.
Genome position (GRCh38, 1-based): chr4:6,301,806, G>T. VCF-style: chr4-6301806-G-T. GRCh37 (hg19) VCF-style: chr4-6303533-G-T.
Other names: c.2011G>T, p.Ala671Ser (NM_001145853.1); short protein forms A671S.
Identifiers: ClinVar variation 905057 (VCV000905057.11), dbSNP rs763020615, ClinGen allele CA2839572.

ClinVar aggregate classification (germline): Conflicting classifications of pathogenicity. Review status: criteria provided, conflicting classifications (1 of 4 stars). 5 submissions from 4 submitters: Uncertain significance (4); Benign (1). Last evaluated 2024-03-28.

Conditions:
Wolfram syndrome 1 (WFS1). Identifiers: Orphanet 3463, MedGen C4551693, MONDO:0009101, OMIM 222300.
WFS1-Related Spectrum Disorders.
Autosomal dominant nonsyndromic hearing loss 6 (LFSNHL). Also called: DEAFNESS, AUTOSOMAL DOMINANT 6; DEAFNESS, AUTOSOMAL DOMINANT 14; DEAFNESS, AUTOSOMAL DOMINANT 38; Autosomal dominant nonsyndromic deafness 6; DIDMOAD (Diabetes Insipidus, Diabetes Mellitus, Optic Atrophy, and Deafness). Identifiers: Orphanet 90635, MedGen C1833021, MONDO:0010963, OMIM 600965.

Allele frequency attached by ClinVar (database versions not stated): TOPMed below 0.00001; ExAC 0.00002; gnomAD exomes 0.00003.
gnomAD v4.1: 21 of 1,613,268 alleles (0.0013%); highest among the groups gnomAD compares: Middle Eastern, 0.016%; no homozygotes.

Submissions (5):

Labcorp Genetics (formerly Invitae), Labcorp
Classification: Uncertain significance. Last evaluated: 2024-03-28. Review status: criteria provided, single submitter. Criteria: Invitae Variant Classification Sherloc (09022015). Collection method: clinical testing. Allele origin: germline.
Comment: This sequence change replaces alanine, which is neutral and non-polar, with serine, which is neutral and polar, at codon 671 of the WFS1 protein (p.Ala671Ser). This variant is present in population databases (rs763020615, gnomAD 0.006%). This variant has not been reported in the literature in individuals affected with WFS1-related conditions. ClinVar contains an entry for this variant (Variation ID: 905057). Advanced modeling of protein sequence and biophysical properties (such as structural, functional, and spatial information, amino acid conservation, physicochemical variation, residue mobility, and thermodynamic stability) performed at Invitae indicates that this missense variant is not expected to disrupt WFS1 protein function with a negative predictive value of 95%. In summary, the available evidence is currently insufficient to determine the role of this variant in disease. Therefore, it has been classified as a Variant of Uncertain Significance.

GeneDx
Classification: Uncertain significance. Last evaluated: 2020-05-22. Review status: criteria provided, single submitter. Criteria: GeneDx Variant Classification Process June 2021. Collection method: clinical testing. Allele origin: germline. Affected: yes.
Comment: Not observed at a significant frequency in large population cohorts (Lek et al., 2016); In silico analysis supports that this missense variant does not alter protein structure/function; A different missense change at this residue (A671V) has been reported as benign and missense variants of uncertain significance in nearby residues have been reported in the Human Gene Mutation Database in individuals with sensorineural hearing loss and/or Wolfram syndrome (Stenson et al., 2014); Has not been previously published as pathogenic or benign to our knowledge

Illumina Laboratory Services, Illumina
Classification: Uncertain significance for WFS1-Related Spectrum Disorders. Last evaluated: 2018-01-13. Review status: criteria provided, single submitter. Criteria: ICSL Variant Classification Criteria 13 December 2019. Collection method: clinical testing. Allele origin: germline.

Illumina Laboratory Services, Illumina
Classification: Uncertain significance for Autosomal dominant nonsyndromic hearing loss 6. Last evaluated: 2018-01-13. Review status: criteria provided, single submitter. Criteria: ICSL Variant Classification Criteria 13 December 2019. Collection method: clinical testing. Allele origin: germline.

Clinical Genomics, Uppaluri K&H Personalized Medicine Clinic
Classification: Benign for Wolfram syndrome 1. Review status: criteria provided, single submitter. Criteria: K & H Uppaluri Personalized Medicine Clinic Variant Classification & Assertion Criteria_Updated V.1. Collection method: research. Allele origin: unknown. Inheritance: Autosomal recessive inheritance.
Comment: Potent mutations in WFS1 gene are associated with Wolfram's syndrome, an autosomal recessive condition, which cause diabetes mellitus, diabetes insipidus, deafness and optic atrophy.However no sufficient evidence is found to ascertain the role of this particular variant rs763020615 in Wolfram's syndrome yet.

Literature cited by the submitters: PubMed 17603484 (cited by Clinical Genomics, Uppaluri K&H Personalized Medicine Clinic); PubMed 20301750 (cited by Clinical Genomics, Uppaluri K&H Personalized Medicine Clinic); PubMed 18060660 (cited by Clinical Genomics, Uppaluri K&H Personalized Medicine Clinic); PubMed 12955714 (cited by Clinical Genomics, Uppaluri K&H Personalized Medicine Clinic); PubMed 33879153 (cited by Clinical Genomics, Uppaluri K&H Personalized Medicine Clinic); PubMed 20738327 (cited by Clinical Genomics, Uppaluri K&H Personalized Medicine Clinic).